The following is an entry in ClinVar:

NM_000138.5(FBN1):c.239G>A (p.Cys80Tyr)

Gene: FBN1 (fibrillin 1; minus strand). Cytogenetic location: 15q21.1.
Variant type: single nucleotide variant.
Coding change: c.239G>A on transcript NM_000138.5 (MANE Select); coding-DNA position 239, G replaced by A.
Protein change: p.Cys80Tyr; replaces cysteine 80 with tyrosine.
Molecular consequence: missense variant.
Genome position (GRCh38, 1-based): chr15:48,613,018, C>T on the plus strand (G>A on the coding strand, the complement: FBN1 is on the minus strand). VCF-style: chr15-48613018-C-T. GRCh37 (hg19) VCF-style: chr15-48905215-C-T.
Other names: short protein forms C80Y.
Identifiers: ClinVar variation 42302 (VCV000042302.11), dbSNP rs397515767, ClinGen allele CA012984.
Genomic context (GRCh38, chr15:48,613,018, plus strand): 5'-CCAACACAACAAAAGAAGGACATGCAGAATGACAAGTTTTCTATTTACTTACGGACAATA[C>T]ACTGATTTCCGCCAGGTAAGGTTTTCCATCCAGGGCAACAGTAAGCATTATAACGTGATC-3'
Protein context (NP_000129.3, residues 70-90): GWKTLPGGNQ[Cys80Tyr]IVPICRHSCG

ClinVar aggregate classification (germline): Pathogenic/Likely pathogenic. Review status: criteria provided, multiple submitters, no conflicts (2 of 4 stars). 4 submissions from 4 submitters: Pathogenic (1); Likely pathogenic (2). 1 of the submissions does not count toward it. Last evaluated 2022-03-14.

Conditions:
Marfan syndrome (MFS). Also called: FBN1-Related Marfan Syndrome; Marfan syndrome, classic; MARFAN SYNDROME, TYPE I; Marfan syndrome type 1; Marfan's syndrome. Identifiers: Orphanet 284963, Orphanet 558, MedGen C0024796, MONDO:0007947, OMIM 154700.
Familial thoracic aortic aneurysm and aortic dissection (TAAD). Also called: Thoracic aortic aneurysms and dissections. Identifiers: Orphanet 91387, MedGen C4707243, MONDO:0019625.

Submissions (4):

Labcorp Genetics (formerly Invitae), Labcorp
Classification: Pathogenic for Marfan syndrome; Familial thoracic aortic aneurysm and aortic dissection. Last evaluated: 2022-03-14. Review status: criteria provided, single submitter. Criteria: Invitae Variant Classification Sherloc (09022015). Collection method: clinical testing. Allele origin: germline.
Comment: For these reasons, this variant has been classified as Pathogenic. This sequence change replaces cysteine, which is neutral and slightly polar, with tyrosine, which is neutral and polar, at codon 80 of the FBN1 protein (p.Cys80Tyr). This variant is not present in population databases (gnomAD no frequency). This variant disrupts the p.Cys80 amino acid residue in FBN1. Other variant(s) that disrupt this residue have been observed in individuals with FBN1-related conditions (PMID: 19161152, 19293843, 21542060), which suggests that this may be a clinically significant amino acid residue. This variant affects a cysteine residue in the EGF-like, TGFBP or hybrid motif domains of FBN1. Cysteine residues are believed to be involved in intramolecular disulfide bridges and have been shown to be important for FBN1 protein structure (PMID: 16905551, 19349279). In addition, missense substitutions affecting cysteine residues within these domains are significantly overrepresented among patients with Marfan syndrome (PMID: 16571647, 17701892). Advanced modeling of protein sequence and biophysical properties (such as structural, functional, and spatial information, amino acid conservation, physicochemical variation, residue mobility, and thermodynamic stability) performed at Invitae indicates that this missense variant is expected to disrupt FBN1 protein function. ClinVar contains an entry for this variant (Variation ID: 42302). This missense change has been observed in individual(s) with clinical features of Marfan syndrome (PMID: 17627385, 19161152).

Ambry Genetics
Classification: Likely pathogenic for Familial thoracic aortic aneurysm and aortic dissection. Last evaluated: 2018-04-17. Review status: criteria provided, single submitter. Criteria: Ambry Variant Classification Scheme 2023. Collection method: clinical testing. Allele origin: germline.
Comment: The p.C80Y variant (also known as c.239G>A), located in coding exon 2 of the FBN1 gene, results from a G to A substitution at nucleotide position 239. The cysteine at codon 80 is replaced by tyrosine, an amino acid with highly dissimilar properties, and is located in the 4-cysteine motif. The majority of FBN1 mutations identified to date have involved the substitution or generation of cysteine residues (Vollbrandt T et al. J Biol Chem. 2004;279(31):32924-32931). This particular cysteine alteration has been reported in a Marfan syndrome (MFS) cohort and has been shown to segregate with disease in a family with incomplete MFS (Howarth R et al. Genet. Test. 2007;11:146-52; LeBlanc SK et al. J AAPOS. 2014;18:90-2). Two likely pathogenic alterations, p.C80R and p.C80G, have been described in the same codon (Stheneur C et al. Eur. J. Hum. Genet. 2009;17:1121-8; Baetens M et al. Hum. Mutat. 2011;32:1053-62). This amino acid position is highly conserved in available vertebrate species. In addition, this alteration is predicted to be deleterious by in silico analysis. Based on the majority of available evidence to date, this variant is likely to be pathogenic.

Laboratory for Molecular Medicine, Mass General Brigham Personalized Medicine
Classification: Likely pathogenic for Marfan syndrome. Last evaluated: 2008-04-17. Review status: criteria provided, single submitter. Criteria: LMM Criteria. Collection method: clinical testing. Allele origin: germline. Observed: 1 variant allele.

Center for Medical Genetics Ghent, University of Ghent
Classification: Likely pathogenic for Marfan syndrome. Last evaluated: 2017-11-07. Review status: no assertion criteria provided. Collection method: clinical testing. Allele origin: germline. Affected: yes. Not counted in ClinVar's aggregate classification.

Literature cited by the submitters: PubMed 19161152 (cited by Labcorp Genetics (formerly Invitae), Labcorp and Ambry Genetics); PubMed 19293843 (cited by Labcorp Genetics (formerly Invitae), Labcorp); PubMed 21542060 (cited by Labcorp Genetics (formerly Invitae), Labcorp); PubMed 16905551 (cited by Labcorp Genetics (formerly Invitae), Labcorp); PubMed 19349279 (cited by Labcorp Genetics (formerly Invitae), Labcorp); PubMed 16571647 (cited by Labcorp Genetics (formerly Invitae), Labcorp); PubMed 17701892 (cited by Labcorp Genetics (formerly Invitae), Labcorp); PubMed 17627385 (cited by 3 submitters); PubMed 24568996 (cited by Ambry Genetics).